The following continues an entry in ClinVar:

NM_000059.4(BRCA2):c.7242A>G (p.Ser2414=)

Gene: BRCA2. ClinVar aggregate classification (germline): Benign. Benign (1). ClinVar aggregate classification (somatic clinical impact): Tier IV - Benign/Likely benign.

Submissions 21 to 33 of 33:

Women's Health and Genetics/Laboratory Corporation of America, LabCorp
Classification: Benign for Hereditary breast ovarian cancer syndrome. Last evaluated: 2013-12-20. Review status: criteria provided, single submitter. Criteria: LabCorp Variant Classification Summary - May 2015. Collection method: clinical testing. Allele origin: germline. Not counted in ClinVar's aggregate classification.

Breakthrough Genomics
Classification: Benign. Review status: criteria provided, single submitter. Criteria: ACMG Guidelines, 2015. Collection method: not provided. Allele origin: germline. Inheritance: Autosomal recessive inheritance. Affected: yes. Not counted in ClinVar's aggregate classification.

GreenArray Genomic Research & Solutions of Accurate Diagnostic Private Limited
Classification: Benign for Breast-ovarian cancer, familial, susceptibility to, 2. Review status: criteria provided, single submitter. Criteria: ACMG Guidelines, 2015. Collection method: clinical testing. Allele origin: germline. Affected: no. Not counted in ClinVar's aggregate classification.

PreventionGenetics, part of Exact Sciences
Classification: Benign. Review status: criteria provided, single submitter. Criteria: ACMG Guidelines, 2015. Collection method: clinical testing. Allele origin: germline. Not counted in ClinVar's aggregate classification.

Mayo Clinic Laboratories, Mayo Clinic
Classification: Benign. Last evaluated: 2016-11-29. Review status: no assertion criteria provided. Collection method: clinical testing. Allele origin: unknown. Not counted in ClinVar's aggregate classification.

Counsyl
Classification: Benign for Breast-ovarian cancer, familial 2. Last evaluated: 2014-01-02. Review status: no assertion criteria provided. Collection method: literature only. Allele origin: unknown. Inheritance: Autosomal dominant inheritance. Not counted in ClinVar's aggregate classification.
Comment: High frequency in a 1kG or ESP population: 21.3 %. This submission and the accompanying classification are no longer maintained by the submitter.

Sharing Clinical Reports Project (SCRP)
Classification: Benign for Breast-ovarian cancer, familial 2. Last evaluated: 2011-03-17. Review status: no assertion criteria provided. Collection method: clinical testing. Allele origin: germline. Not counted in ClinVar's aggregate classification.

Breast Cancer Information Core (BIC) (BRCA2)
Classification: Benign for Breast-ovarian cancer, familial 2. Last evaluated: 2002-05-29. Review status: no assertion criteria provided. Collection method: clinical testing. Allele origin: germline. Affected: yes. Observed: 193 variant alleles. Not counted in ClinVar's aggregate classification.

Clinical Genetics Laboratory, Department of Pathology, Netherlands Cancer Institute
Classification: Benign. Review status: no assertion criteria provided. Collection method: clinical testing. Allele origin: germline. Affected: yes. Study: VKGL Data-share Consensus. Not counted in ClinVar's aggregate classification.

Department of Pathology and Laboratory Medicine, Sinai Health System
Classification: Benign. Review status: no assertion criteria provided. Collection method: clinical testing. Allele origin: unknown. Affected: yes. Study: The Canadian Open Genetics Repository (COGR). Not counted in ClinVar's aggregate classification.
Comment: The BRCA2 p.Ser2414Ser variant was identified globally in 609 of 3040 proband chromosomes (frequency: 0.200) from individuals or families with familial and sporadic breast cancer, and was present in 68 of 364 control chromosomes (frequency: 0.187) from healthy individuals (Akilzhanova 2013, Fackenthal 2012, Jalkh 2012, Toh 2008, Marchina 2010, Saxena 2006, Diez 2003). The variant was identified in dbSNP (ID: rs1799955) â€šÃ„ÃºWith benign alleleâ€šÃ„Ã¹, in the 1000 Genomes Project in 271 of 1165 chromosomes (frequency: 0.2326), HAPMAP-CEU in 22 of 116 chromosomes (frequency: 0.19), HAPMAP-YRI in 25 of 118 chromosomes (frequency: 0.212), HAPMAP-HCB in 29 of 90 chromosomes (frequency: 0.322), NHLBI Exome Sequencing Project (Exome Variant Server) in 1834 of 8600 European American alleles (frequency: 0.2132) and in 915 of 4600 African American alleles (frequency: 0.2077), and in the Exome Aggregation Consortium (ExAC) database (released Jan 13, 2015) in 27219 (heterozygous) and 3228 (homozygous) of 121288 chromosomes (frequency: 0.2244) (or 3988 East Asian individuals, 1740 European(Finnish), 229 Other, 2430 African, 2263 Latino, 3954 South Asian, and 15843 European(Non-Finnish) individuals). The variant was also identified in the Clinvitae database (5X), LOVD, the ClinVar database (classified as a benign variant by multiple submitters with no conflicts; by the Sharing Clinical Reports Project, derived from Myriad reports, BIC, Emory Genetics, Ambry Genetics, GeneDx, and Counsyl), GeneInsight COGR database (1X, classified as â€šÃ„Ãºuncertainâ€šÃ„Ã¹ by a clinical laboratory), the BIC database (183X with no clinical importance), and in UMD (7X classified as neutral and co-occuring with a pathogenic variant p.Lys82X). The p.Ser2414Ser variant is not expected to have clinical significance because it does not result in a change of amino acid and is not located in a known consensus splice site. In addition, in silico or computational prediction software programs (SpliceSiteFinder, MaxEntScan, NNSPLICE, GeneSplicer, HumanSpliceFinder) do not predict a difference in splicing. In summary, based on the above information, this variant meets our laboratory's criteria to be classified as benign.

Diagnostic Laboratory, Department of Genetics, University Medical Center Groningen
Classification: Benign for Breast-ovarian cancer, familial, susceptibility to, 2. Review status: no assertion criteria provided. Collection method: clinical testing. Allele origin: germline. Affected: yes. Study: VKGL Data-share Consensus. Not counted in ClinVar's aggregate classification.

Faculté Pluridciplinaire Nador, Université Mohamed Premier
Classification: Tier IV - Benign/Likely benign for Familial cancer of breast. Review status: no assertion criteria provided. Collection method: research. Allele origin: somatic. Affected: yes.
Comment: The following databases and algorithms are used to annotate and evaluate the impact of the variant in the context of human disease: 1000 genomes, gnomAD, ClinVar, OMIM, dbSNP, NCIB RefSeq Genes, ExAC Gene Constraints, VS-SIFT, VS-PolyPhen2, PhyloP, GERP++, GeneSplicer, MaxEntScan, NNSplice, PWM Splice Predictor.

Joint Genome Diagnostic Labs from Nijmegen and Maastricht, Radboudumc and MUMC+
Classification: Benign. Review status: no assertion criteria provided. Collection method: clinical testing. Allele origin: germline. Affected: yes. Study: VKGL Data-share Consensus. Not counted in ClinVar's aggregate classification.

Literature cited by the submitters: DOI 10.3389/fgene.2022.834265 (cited by National Health Laboratory Service, Universitas Academic Hospital and University of the Free State); PubMed 36329109 (cited by Genetics Program, Instituto Nacional de Cancer); Couch et al., 1996 (cited by Breast Cancer Information Core (BIC) (BRCA2)).